The following is an entry in ClinVar:

NM_001365999.1(SZT2):c.3641G>A (p.Arg1214Gln)

Gene: SZT2 (SZT2 subunit of KICSTOR complex; plus strand). Cytogenetic location: 1p34.2.
Variant type: single nucleotide variant.
Coding change: c.3641G>A on transcript NM_001365999.1 (MANE Select); coding-DNA position 3641, G replaced by A.
Protein change: p.Arg1214Gln; replaces arginine 1214 with glutamine.
Molecular consequence: missense variant.
Genome position (GRCh38, 1-based): chr1:43,427,572, G>A. VCF-style: chr1-43427572-G-A. GRCh37 (hg19) VCF-style: chr1-43893243-G-A.
Other names: c.3470G>A, p.Arg1157Gln (NM_015284.4); c.3470G>A (NM_015284.3); short protein forms R1214Q, R1157Q.
Identifiers: ClinVar variation 1494908 (VCV001494908.25), dbSNP rs866494435, ClinGen allele CA21634589.

ClinVar aggregate classification (germline): Conflicting classifications of pathogenicity. Review status: criteria provided, conflicting classifications (1 of 4 stars). 3 submissions from 3 submitters: Uncertain significance (2); Likely benign (1). Last evaluated 2025-07-11.

Allele frequency attached by ClinVar (database versions not stated): gnomAD exomes below 0.00001 and 0.00001; gnomAD 0.00001; TOPMed 0.00001.
gnomAD v4.1: 6 of 1,614,038 alleles (0.00037%); highest among the groups gnomAD compares: African/African-American, 0.004%; no homozygotes.

Submissions (3):

GeneDx
Classification: Uncertain significance. Last evaluated: 2025-07-11. Review status: criteria provided, single submitter. Criteria: GeneDx Variant Classification Process June 2021. Collection method: clinical testing. Allele origin: germline. Affected: yes.
Comment: Not observed at significant frequency in large population cohorts (gnomAD); In silico analysis suggests that this missense variant does not alter protein structure/function; Has not been previously published as pathogenic or benign to our knowledge

Labcorp Genetics (formerly Invitae), Labcorp
Classification: Uncertain significance. Last evaluated: 2025-04-14. Review status: criteria provided, single submitter. Criteria: Invitae Variant Classification Sherloc (09022015). Collection method: clinical testing. Allele origin: germline.
Comment: This sequence change replaces arginine, which is basic and polar, with glutamine, which is neutral and polar, at codon 1157 of the SZT2 protein (p.Arg1157Gln). This variant is present in population databases (no rsID available, gnomAD 0.008%). This variant has not been reported in the literature in individuals affected with SZT2-related conditions. ClinVar contains an entry for this variant (Variation ID: 1494908). Invitae Evidence Modeling of protein sequence and biophysical properties (such as structural, functional, and spatial information, amino acid conservation, physicochemical variation, residue mobility, and thermodynamic stability) indicates that this missense variant is not expected to disrupt SZT2 protein function with a negative predictive value of 80%. In summary, the available evidence is currently insufficient to determine the role of this variant in disease. Therefore, it has been classified as a Variant of Uncertain Significance.

CeGaT Center for Human Genetics Tuebingen
Classification: Likely benign. Last evaluated: 2024-06-01. Review status: criteria provided, single submitter. Criteria: CeGaT Center For Human Genetics Tuebingen Variant Classification Criteria Version 2. Collection method: clinical testing. Allele origin: germline. Affected: yes. Observed: 1 variant allele.
Comment: SZT2: BP4